The following is an entry in ClinVar:

ClinVar aggregate classification (germline): Uncertain significance (1 of 4 stars; one submission).

Submission:

Labcorp Genetics (formerly Invitae), Labcorp
Classification: Uncertain significance. Last evaluated: 2022-07-25. Review status: criteria provided, single submitter. Criteria: Invitae Variant Classification Sherloc (09022015). Collection method: clinical testing. Allele origin: germline.
Comment: Experimental studies and prediction algorithms are not available or were not evaluated, and the functional significance of this variant is currently unknown. This variant has not been reported in the literature in individuals affected with IFT57-related conditions. This variant is present in population databases (no rsID available, gnomAD 0.007%). This variant, c.557_562del, results in the deletion of 2 amino acid(s) of the IFT57 protein (p.Thr186_Leu187del), but otherwise preserves the integrity of the reading frame. In summary, the available evidence is currently insufficient to determine the role of this variant in disease. Therefore, it has been classified as a Variant of Uncertain Significance.

NM_018010.4(IFT57):c.557_562del (p.Thr186_Leu187del)

Gene: IFT57 (intraflagellar transport 57; minus strand). Cytogenetic location: 3q13.13.
Variant type: Deletion.
Coding change: c.557_562del on transcript NM_018010.4 (MANE Select); coding-DNA positions 557 to 562, 6 bases deleted (CATTAA; older notation c.557_562delCATTAA).
Protein change: p.Thr186_Leu187del.
Molecular consequence: inframe deletion.
Genome position (GRCh38, 1-based): chr3:108,213,954-108,213,959, TTAATG deleted on the plus strand (CATTAA on the coding strand, the reverse complement: IFT57 is on the minus strand); deleting any 6 consecutive bases within chr3:108,213,954-108,213,964 gives the same sequence; the c. name uses the placement nearest the transcript's 3' end. VCF-style (leftmost placement, unchanged base first): chr3-108213953-TTTAATG-T. GRCh37 (hg19) VCF-style: chr3-107932800-TTTAATG-T.
Identifiers: ClinVar variation 1990874 (VCV001990874.4), dbSNP rs1365977850, ClinGen allele CA545095038.
Genomic context (GRCh38, chr3:108,213,953, plus strand): 5'-AAGGTGAAAATGAACAGAAAGTTCAGCTACACACATACCACAAATTCTTCATCCACTTTA[TTTAATG>T]TTAATTCTGCATCATCTTCTGCAACGCTTTCTTCTTCTAATTCTTCTACTGGGTATATTG-3'